The following is an entry in ClinVar:

NM_001365088.1(SLC12A6):c.1976T>G (p.Leu659Trp)

Gene: SLC12A6 (solute carrier family 12 member 6; minus strand). Cytogenetic location: 15q14.
Variant type: single nucleotide variant.
Coding change: c.1976T>G on transcript NM_001365088.1 (MANE Select); coding-DNA position 1976, T replaced by G.
Protein change: p.Leu659Trp; replaces leucine 659 with tryptophan.
Molecular consequence: missense variant.
Genome position (GRCh38, 1-based): chr15:34,244,040, A>C on the plus strand (T>G on the coding strand, the complement: SLC12A6 is on the minus strand). VCF-style: chr15-34244040-A-C. GRCh37 (hg19) VCF-style: chr15-34536241-A-C.
Other names: c.1799T>G, p.Leu600Trp (NM_001042494.2, NM_001042495.2); c.1949T>G, p.Leu650Trp (NM_001042496.2); c.1931T>G, p.Leu644Trp (NM_001042497.2); c.1823T>G, p.Leu608Trp (NM_005135.2); c.1976T>G, p.Leu659Trp (NM_133647.2); short protein forms L608W, L650W, L644W, L600W, L659W.
Identifiers: ClinVar variation 3649875 (VCV003649875.2).

ClinVar aggregate classification (germline): Uncertain significance (1 of 4 stars; one submission).

Submission:

Labcorp Genetics (formerly Invitae), Labcorp
Classification: Uncertain significance. Last evaluated: 2024-04-20. Review status: criteria provided, single submitter. Criteria: Invitae Variant Classification Sherloc (09022015). Collection method: clinical testing. Allele origin: germline.
Comment: This sequence change replaces leucine, which is neutral and non-polar, with tryptophan, which is neutral and slightly polar, at codon 659 of the SLC12A6 protein (p.Leu659Trp). This variant is not present in population databases (gnomAD no frequency). This variant has not been reported in the literature in individuals affected with SLC12A6-related conditions. Advanced modeling of protein sequence and biophysical properties (such as structural, functional, and spatial information, amino acid conservation, physicochemical variation, residue mobility, and thermodynamic stability) performed at Invitae indicates that this missense variant is expected to disrupt SLC12A6 protein function with a positive predictive value of 80%. In summary, the available evidence is currently insufficient to determine the role of this variant in disease. Therefore, it has been classified as a Variant of Uncertain Significance.